The following is an entry in ClinVar:

NC_000003.12:g.169764825G>C

Genes: TERC (telomerase RNA component; minus strand), LOC110806306 (telomerase RNA component (TERC) promoter; plus strand). Cytogenetic location: 3q26.2.
Variant type: single nucleotide variant.
Genome position: GRCh38 VCF-style: chr3-169764825-G-C. GRCh37 (hg19) VCF-style: chr3-169482613-G-C.
Identifiers: ClinVar variation 1056330 (VCV001056330.9), dbSNP rs1777961092, ClinGen allele CA436715323.

ClinVar aggregate classification (germline): Uncertain significance (1 of 4 stars; one submission).

Conditions:
Dyskeratosis congenita, autosomal dominant 1 (DKCA1). Also called: Dyskeratosis congenita Scoggins type. Identifiers: Orphanet 1775, MedGen C4551974, MONDO:0007485, OMIM 127550. Inheritance: Variable.

Submission:

Labcorp Genetics (formerly Invitae), Labcorp
Classification: Uncertain significance for Dyskeratosis congenita, autosomal dominant 1. Last evaluated: 2022-07-19. Review status: criteria provided, single submitter. Criteria: Invitae Variant Classification Sherloc (09022015). Collection method: clinical testing. Allele origin: germline.
Comment: This variant occurs in the TERC gene, which encodes an RNA molecule that does not result in a protein product. This variant is not present in population databases (gnomAD no frequency). In summary, the available evidence is currently insufficient to determine the role of this variant in disease. Therefore, it has been classified as a Variant of Uncertain Significance. This variant is located within the BoxH/ACA scaRNA domain of the TERC RNA component, which is required for telomerase activity (PMID: 21844345). ClinVar contains an entry for this variant (Variation ID: 1056330). This variant has not been reported in the literature in individuals affected with TERC-related conditions.

Literature cited by the submitters: PubMed 21844345.